The following is an entry in ClinVar:

NM_000283.4(PDE6B):c.1537G>C (p.Glu513Gln)

Gene: PDE6B (phosphodiesterase 6B; plus strand). Cytogenetic location: 4p16.3.
Variant type: single nucleotide variant.
Coding change: c.1537G>C on transcript NM_000283.4 (MANE Select); coding-DNA position 1537, G replaced by C.
Protein change: p.Glu513Gln; replaces glutamic acid 513 with glutamine.
Molecular consequence: missense variant.
Genome position (GRCh38, 1-based): chr4:660,536, G>C. VCF-style: chr4-660536-G-C. GRCh37 (hg19) VCF-style: chr4-654325-G-C.
Other names: c.1537G>C, p.Glu513Gln (NM_001145291.2); c.700G>C, p.Glu234Gln (NM_001145292.2, NM_001350154.3, NM_001379246.1 and 1 more transcripts); c.382G>C, p.Glu128Gln (NM_001350155.3); short protein forms E513Q, E128Q, E234Q.
Identifiers: ClinVar variation 1511019 (VCV001511019.8), dbSNP rs768260906, ClinGen allele CA2794569.

ClinVar aggregate classification (germline): Uncertain significance (1 of 4 stars; one submission).

Allele frequency attached by ClinVar (database versions not stated): gnomAD 0.00001; gnomAD exomes 0.00002; ExAC 0.00003.
gnomAD v4.1: 9 of 1,613,590 alleles (0.00056%); highest among the groups gnomAD compares: Admixed American, 0.0067%; no homozygotes.

Submission:

Labcorp Genetics (formerly Invitae), Labcorp
Classification: Uncertain significance. Last evaluated: 2022-09-13. Review status: criteria provided, single submitter. Criteria: Invitae Variant Classification Sherloc (09022015). Collection method: clinical testing. Allele origin: germline.
Comment: This sequence change replaces glutamic acid, which is acidic and polar, with glutamine, which is neutral and polar, at codon 513 of the PDE6B protein (p.Glu513Gln). This variant is present in population databases (rs768260906, gnomAD 0.006%). This variant has not been reported in the literature in individuals affected with PDE6B-related conditions. ClinVar contains an entry for this variant (Variation ID: 1511019). Advanced modeling of protein sequence and biophysical properties (such as structural, functional, and spatial information, amino acid conservation, physicochemical variation, residue mobility, and thermodynamic stability) has been performed at Invitae for this missense variant, however the output from this modeling did not meet the statistical confidence thresholds required to predict the impact of this variant on PDE6B protein function. In summary, the available evidence is currently insufficient to determine the role of this variant in disease. Therefore, it has been classified as a Variant of Uncertain Significance.